The following is an entry in ClinVar:

ClinVar aggregate classification (germline): Uncertain significance. Review status: criteria provided, multiple submitters, no conflicts (2 of 4 stars). 2 submissions from 2 submitters: Uncertain significance (2). Last evaluated 2023-09-27.

Allele frequency attached by ClinVar (database versions not stated): ExAC 0.00001; gnomAD 0.00001; TOPMed 0.00001.
gnomAD v4.1: 20 of 1,614,002 alleles (0.0012%); highest among the groups gnomAD compares: African/African-American, 0.0027%; no homozygotes.

Submissions (2):

Labcorp Genetics (formerly Invitae), Labcorp
Classification: Uncertain significance. Last evaluated: 2023-09-27. Review status: criteria provided, single submitter. Criteria: Invitae Variant Classification Sherloc (09022015). Collection method: clinical testing. Allele origin: germline.
Comment: This sequence change replaces arginine, which is basic and polar, with glutamine, which is neutral and polar, at codon 1538 of the LAMA1 protein (p.Arg1538Gln). This variant is present in population databases (rs773861728, gnomAD 0.01%). This variant has not been reported in the literature in individuals affected with LAMA1-related conditions. ClinVar contains an entry for this variant (Variation ID: 1930458). Advanced modeling of protein sequence and biophysical properties (such as structural, functional, and spatial information, amino acid conservation, physicochemical variation, residue mobility, and thermodynamic stability) performed at Invitae indicates that this missense variant is not expected to disrupt LAMA1 protein function. In summary, the available evidence is currently insufficient to determine the role of this variant in disease. Therefore, it has been classified as a Variant of Uncertain Significance.

GeneDx
Classification: Uncertain significance. Last evaluated: 2022-09-23. Review status: criteria provided, single submitter. Criteria: GeneDx Variant Classification Process June 2021. Collection method: clinical testing. Allele origin: germline. Affected: yes.
Comment: In silico analysis supports that this missense variant does not alter protein structure/function; Has not been previously published as pathogenic or benign to our knowledge

NM_005559.4(LAMA1):c.4613G>A (p.Arg1538Gln)

Gene: LAMA1 (laminin subunit alpha 1; minus strand). Cytogenetic location: 18p11.31.
Variant type: single nucleotide variant.
Coding change: c.4613G>A on transcript NM_005559.4 (MANE Select); coding-DNA position 4613, G replaced by A.
Protein change: p.Arg1538Gln; replaces arginine 1538 with glutamine.
Molecular consequence: missense variant.
Genome position (GRCh38, 1-based): chr18:6,999,495, C>T on the plus strand (G>A on the coding strand, the complement: LAMA1 is on the minus strand). VCF-style: chr18-6999495-C-T. GRCh37 (hg19) VCF-style: chr18-6999494-C-T.
Other names: c.4613G>A (NM_005559.3); short protein forms R1538Q.
Identifiers: ClinVar variation 1930458 (VCV001930458.4), dbSNP rs773861728, ClinGen allele CA8881864.